The following is an entry in ClinVar:

NM_001256071.3(RNF213):c.9242C>T (p.Thr3081Ile)

Gene: RNF213 (ring finger protein 213; plus strand). Cytogenetic location: 17q25.3.
Variant type: single nucleotide variant.
Coding change: c.9242C>T on transcript NM_001256071.3 (MANE Select); coding-DNA position 9242, C replaced by T.
Protein change: p.Thr3081Ile; replaces threonine 3081 with isoleucine.
Molecular consequence: missense variant.
Genome position (GRCh38, 1-based): chr17:80,347,577, C>T. VCF-style: chr17-80347577-C-T. GRCh37 (hg19) VCF-style: chr17-78321377-C-T.
Other names: c.9389C>T, p.Thr3130Ile (NM_001410195.1, NM_020914.5); short protein forms T3081I, T3130I.
Identifiers: ClinVar variation 5000030 (VCV005000030.1).

ClinVar aggregate classification (germline): Uncertain significance (1 of 4 stars; one submission).

Conditions:
RNF213-related disorder. Also called: RNF213-related condition.

gnomAD v4.1: 2 of 1,614,146 alleles (0.00012%); no homozygotes.

Submission:

PreventionGenetics, part of Exact Sciences
Classification: Uncertain significance for RNF213-related condition. Last evaluated: 2025-07-02. Review status: criteria provided, single submitter. Criteria: ACMG Guidelines, 2015. Collection method: clinical testing. Allele origin: germline.
Comment: The RNF213 c.9242C>T variant is predicted to result in the amino acid substitution p.Thr3081Ile. To our knowledge, this variant has not been reported in the literature or in a large population database (gnomAD), indicating this variant is rare. At this time, the clinical significance of this variant is uncertain due to the absence of conclusive functional and genetic evidence.